The following is an entry in ClinVar:

ClinVar aggregate classification (germline): Uncertain significance (1 of 4 stars; one submission).

Submission:

GeneDx
Classification: Uncertain significance. Last evaluated: 2025-02-23. Review status: criteria provided, single submitter. Criteria: GeneDx Variant Classification Process June 2021. Collection method: clinical testing. Allele origin: germline. Affected: yes.
Comment: Not observed at significant frequency in large population cohorts (gnomAD); In silico analysis supports that this missense variant has a deleterious effect on protein structure/function; Has not been previously published as pathogenic or benign to our knowledge

NM_000142.5(FGFR3):c.1190G>C (p.Arg397Pro)

Gene: FGFR3 (fibroblast growth factor receptor 3; plus strand). Cytogenetic location: 4p16.3.
Variant type: single nucleotide variant.
Coding change: c.1190G>C on transcript NM_000142.5 (MANE Select); coding-DNA position 1190, G replaced by C.
Protein change: p.Arg397Pro; replaces arginine 397 with proline.
Molecular consequence: missense variant. On other transcripts: non-coding transcript variant (1), intron variant (1).
Genome position (GRCh38, 1-based): chr4:1,804,444, G>C. VCF-style: chr4-1804444-G-C. GRCh37 (hg19) VCF-style: chr4-1806171-G-C.
Other names: c.1196G>C, p.Arg399Pro (NM_001163213.2); c.1190G>C, p.Arg397Pro (NM_001354809.2, NM_001354810.2); c.931-380G>C (NM_022965.4); short protein forms R397P, R399P.
Identifiers: ClinVar variation 4076940 (VCV004076940.1).